The following is an entry in ClinVar:

NM_017827.4(SARS2):c.402G>A (p.Lys134=)

Gene: SARS2 (seryl-tRNA synthetase 2, mitochondrial; minus strand). Cytogenetic location: 19q13.2.
Variant type: single nucleotide variant.
Coding change: c.402G>A on transcript NM_017827.4 (MANE Select); coding-DNA position 402, G replaced by A.
Protein change: p.Lys134=; no amino-acid change (lysine 134 retained).
Molecular consequence: synonymous variant. On other transcripts: intron variant (1).
Genome position (GRCh38, 1-based): chr19:38,921,659, C>T on the plus strand (G>A on the coding strand, the complement: SARS2 is on the minus strand). VCF-style: chr19-38921659-C-T. GRCh37 (hg19) VCF-style: chr19-39412299-C-T.
Other names: c.471-63G>A (NM_001145901.2).
Identifiers: ClinVar variation 3341665 (VCV003341665.16).
Genomic context (GRCh38, chr19:38,921,659, plus strand): 5'-GGGGTACAGGTGAACAAGCTCCTTCCGGATCTCCCGGCCACGTGCCCGCAGACCCTGGTA[C>T]TTGGGGTCCTGGGGGCAGCACAGGTGGGCTCAGCCCGGGAGAGGGTCAGGACTCCCTCAT-3'
Protein context (NP_060297.1, residues 124-144): QDSGEVQQDP[Lys134=]YQGLRARGRE

ClinVar aggregate classification (germline): Likely benign (1 of 4 stars; one submission).

gnomAD v4.1: 1 of 1,614,044 alleles (0.000062%); highest among the groups gnomAD compares: East Asian, 0.0022%; no homozygotes.

Submission:

CeGaT Center for Human Genetics Tuebingen
Classification: Likely benign. Last evaluated: 2024-08-01. Review status: criteria provided, single submitter. Criteria: CeGaT Center For Human Genetics Tuebingen Variant Classification Criteria Version 2. Collection method: clinical testing. Allele origin: germline. Affected: yes. Observed: 1 variant allele.
Comment: SARS2: BP4, BP7